The following is an entry in ClinVar:

NM_007294.4(BRCA1):c.548-15G>A

Gene: BRCA1 (BRCA1 DNA repair associated; minus strand). Cytogenetic location: 17q21.31.
Variant type: single nucleotide variant.
Coding change: c.548-15G>A on transcript NM_007294.4 (MANE Select); 15 bases into the intron before coding-DNA position 548, G replaced by A.
Molecular consequence: intron variant.
Genome position (GRCh38, 1-based): chr17:43,097,304, C>T on the plus strand (G>A on the coding strand, the complement: BRCA1 is on the minus strand). VCF-style: chr17-43097304-C-T. GRCh37 (hg19) VCF-style: chr17-41249321-C-T.
Other names: c.407-15G>A (NM_001408458.1, NM_001408469.1, NM_001408453.1 and 43 more transcripts); c.-218-2444G>A (NM_001407967.1, NM_001407966.1); c.167-15G>A (NM_001407959.1, NM_001408510.1, NM_001407963.1 and 1 more transcripts); c.404-2444G>A (NM_001407931.1, NM_001407932.1, NM_001408503.1 and 5 more transcripts); c.404-15G>A (NM_001407747.1, NM_001408470.1, NM_001407848.1 and 26 more transcripts); c.164-15G>A (NM_001407962.1); c.167-2444G>A (NM_001408512.1, NM_001407965.1); c.338-15G>A (NM_001407885.1, NM_001407886.1, NM_001407881.1 and 27 more transcripts); and 17 more.
Identifiers: ClinVar variation 245678 (VCV000245678.16), dbSNP rs755221482, ClinGen allele CA056405.

ClinVar aggregate classification (germline): Conflicting classifications of pathogenicity. Review status: criteria provided, conflicting classifications (1 of 4 stars). 4 submissions from 4 submitters: Uncertain significance (2); Likely benign (1). 1 of the submissions does not count toward it. Last evaluated 2025-11-30.

Conditions:
Hereditary cancer-predisposing syndrome. Also called: Tumor predisposition; Neoplastic Syndromes, Hereditary; Hereditary Cancer Syndrome; Hereditary neoplastic syndrome. Identifiers: Orphanet 140162, MedGen C0027672, MeSH D009386, MONDO:0015356.
Hereditary breast ovarian cancer syndrome. Also called: Hereditary breast and ovarian cancer syndrome; Hereditary breast and ovarian cancer; Hereditary breast and ovarian cancer syndrome (HBOC); Hereditary breast and/or ovarian cancer syndrome; Breast and ovarian cancer; BRCA1- and BRCA2-Associated Hereditary Breast and Ovarian Cancer. Identifiers: Orphanet 145, MedGen C0677776, MeSH D061325, MONDO:0003582. Disease mechanism: loss of function.
Malignant tumor of breast. Also called: Cancer breast; Malignant breast neoplasm. Identifiers: MedGen C0006142, MONDO:0007254. Disease mechanism: loss of function.

Allele frequency attached by ClinVar (database versions not stated): gnomAD exomes 0.00001; TOPMed 0.00001; ExAC 0.00002.
gnomAD v4.1: 1 of 1,608,874 alleles (0.000062%); highest among the groups gnomAD compares: East Asian, 0.0022%; no homozygotes.

Submissions (4):

Labcorp Genetics (formerly Invitae), Labcorp
Classification: Likely benign for Hereditary breast ovarian cancer syndrome. Last evaluated: 2025-11-30. Review status: criteria provided, single submitter. Criteria: Invitae Variant Classification Sherloc (09022015). Collection method: clinical testing. Allele origin: germline.

Color Diagnostics, LLC DBA Color Health
Classification: Uncertain significance for Hereditary cancer-predisposing syndrome. Last evaluated: 2025-06-30. Review status: criteria provided, single submitter. Criteria: ACMG Guidelines, 2015. Collection method: clinical testing. Allele origin: germline.
Comment: This variant causes a G to A nucleotide substitution at the -15 position of intron 7/22 of the BRCA1 gene. To our knowledge, functional studies have not been reported for this variant. This variant has not been reported in individuals affected with BRCA1-related disorders in the literature. This variant has been identified in 2/249958 chromosomes in the general population by the Genome Aggregation Database (gnomAD). The available evidence is insufficient to determine the role of this variant in disease conclusively. Therefore, this variant is classified as a Variant of Uncertain Significance.

GeneDx
Classification: Uncertain significance. Last evaluated: 2017-07-04. Review status: criteria provided, single submitter. Criteria: GeneDx Variant Classification (06012015). Collection method: clinical testing. Allele origin: germline. Affected: yes.
Comment: This variant is denoted BRCA1 c.548-15G>A or IVS7-15G>A and consists of a G>A nucleotide substitution at the -15 position of intron 7 of the BRCA1 gene. Using alternate nomenclature, this variant would be defined as BRCA1 667-15G>A. In silico splicing models are uninformative; therefore, in the absence of RNA or functional studies, the actual effect of this variant is unknown. This variant has been observed in at least two individuals with personal and/or family history of breast and/or ovarian cancer (Park 2017, Ryu 2017). BRCA1 c.548-15G>A was not observed at a significant allele frequency in large population cohorts (NHLBI Exome Sequencing Project, The 1000 Genomes Consortium 2015, Lek 2016). The guanine (G) nucleotide that is altered is conserved in mammals. Based on currently available information, it is unclear whether BRCA1 c.548-15G>A is pathogenic or benign. We consider it to be a variant of uncertain significance.

Department of Pathology and Laboratory Medicine, Sinai Health System
Classification: Uncertain significance for Malignant tumor of breast. Review status: no assertion criteria provided. Collection method: clinical testing. Allele origin: unknown. Affected: yes. Study: The Canadian Open Genetics Repository (COGR). Not counted in ClinVar's aggregate classification.
Comment: BRCA1, c.548-15G>A, r.spl?, (Alias BIC: IVS8-15G>A), Heterozygous, Uncertain SignificancernrnThe BRCA1, c.548-15G>A variant was identified in the Exome Aggregation Consortium (ExAC) database (released March 14 2016) in or 2 of 8596 East Asian individuals (frequency 0.0002) and was not found in a population of South Asians, European (Non-Finnish), African, Latino, European (Finnish) and other individuals, overall 2 of 120016 chromosomes (frequency: 0.000016). The variant was not identified in the literature, nor was it identified in the NHLBI Exome Sequencing Project (Exome Variant Server), Fanconiâ€šÃ„Ã´s Anaemia LOVD, MutDB, COSMIC, ClinVar, Clinvitae, ARUP laboratories, GeneInsight COGR, BIC or BRCA Share UMD. The variant is listed in the dbSNP database (ID#: rs755221482) but no frequency information was provided, thus the prevalence of this variant in the general population could not be determined. The c.548-15G>A variant occurs outside of the splicing consensus sequence and 2/5 in silico or computational splicing prediction software programs (SpliceSiteFinder, MaxEntScan, NNSPLICE, GeneSplicer, HumanSpliceFinder) predict a greater than 10% chance that this variant creates a cryptic 3â€šÃ„Ã´ acceptor site, however this information is not enough to assume pathogenicity. In summary, based on the above information, the clinical significance of this variant cannot be determined with certainty at this time. This variant is classified as a variant of uncertain significance.